The following is an entry in ClinVar:

ClinVar aggregate classification (germline): Pathogenic (1 of 4 stars; one submission).

Conditions:
Intellectual disability-microcephaly-strabismus-behavioral abnormalities syndrome. Also called: White-Sutton Syndrome. Identifiers: Orphanet 468678, MedGen C4225351, MONDO:0014606, OMIM 616364.

Submission:

Greenwood Genetic Center Diagnostic Laboratories, Greenwood Genetic Center
Classification: Pathogenic for Intellectual disability-microcephaly-strabismus-behavioral abnormalities syndrome. Last evaluated: 2022-07-01. Review status: criteria provided, single submitter. Criteria: ACMG Guidelines, 2015. Collection method: clinical testing. Allele origin: germline. Affected: yes.
Comment: PVS1, PS2, PM2

NM_015100.4(POGZ):c.1053del (p.Ser352fs)

Gene: POGZ (pogo transposable element derived with ZNF domain; minus strand). Cytogenetic location: 1q21.3.
Variant type: Deletion.
Coding change: c.1053del on transcript NM_015100.4 (MANE Select); coding-DNA position 1053, one base deleted (C; older notation c.1053delC).
Protein change: p.Ser352fs; shifts the reading frame from serine 352.
Molecular consequence: frameshift variant.
Genome position (GRCh38, 1-based): chr1:151,427,848, G deleted on the plus strand (C on the coding strand, the reverse complement: POGZ is on the minus strand); the first of 2 consecutive G bases (chr1:151,427,848-151,427,849); deleting either gives the same sequence. VCF-style (leftmost placement, unchanged base first): chr1-151427847-TG-T. GRCh37 (hg19) VCF-style: chr1-151400323-TG-T.
Other names: c.1026del, p.Ser343fs (NM_001194937.2); c.867del, p.Ser290fs (NM_001194938.2); c.1073delC, p.Ser359Alafs (NM_001410860.1); c.768del, p.Ser257fs (NM_145796.4); c.894del, p.Ser299fs (NM_207171.2); short protein forms S257fs, S290fs, S299fs, S343fs, S352fs.
Identifiers: ClinVar variation 1710349 (VCV001710349.3), dbSNP rs2529496737, ClinGen allele CA2580061011.